The following is an entry in ClinVar:

NM_000883.4(IMPDH1):c.1603A>G (p.Lys535Glu)

Gene: IMPDH1 (inosine monophosphate dehydrogenase 1; minus strand). Cytogenetic location: 7q32.1.
Variant type: single nucleotide variant.
Coding change: c.1603A>G on transcript NM_000883.4 (MANE Select); coding-DNA position 1603, A replaced by G.
Protein change: p.Lys535Glu; replaces lysine 535 with glutamic acid.
Molecular consequence: missense variant.
Genome position (GRCh38, 1-based): chr7:128,394,547, T>C on the plus strand (A>G on the coding strand, the complement: IMPDH1 is on the minus strand). VCF-style: chr7-128394547-T-C. GRCh37 (hg19) VCF-style: chr7-128034601-T-C.
Other names: c.1573A>G, p.Lys525Glu (NM_001102605.2); c.1348A>G, p.Lys450Glu (NM_001142573.2); c.1333A>G, p.Lys445Glu (NM_001142574.2); c.1273A>G, p.Lys425Glu (NM_001142575.2); c.1504A>G, p.Lys502Glu (NM_001142576.2); c.1396A>G, p.Lys466Glu (NM_001304521.2); c.1495A>G, p.Lys499Glu (NM_183243.3); short protein forms K425E, K535E, K450E, K502E, K445E, K466E, K525E, K499E.
Identifiers: ClinVar variation 1471959 (VCV001471959.6), dbSNP rs141572081, ClinGen allele CA4470774.

ClinVar aggregate classification (germline): Uncertain significance (1 of 4 stars; one submission).

Allele frequency attached by ClinVar (database versions not stated): gnomAD exomes 0.00001 and 0.00002; ExAC 0.00003; gnomAD 0.00009; TOPMed 0.00010; ESP Exome Variant Server 0.00015.
gnomAD v4.1: 28 of 1,613,848 alleles (0.0017%); highest among the groups gnomAD compares: African/African-American, 0.032%; no homozygotes.

Submission:

Labcorp Genetics (formerly Invitae), Labcorp
Classification: Uncertain significance. Last evaluated: 2024-10-14. Review status: criteria provided, single submitter. Criteria: Invitae Variant Classification Sherloc (09022015). Collection method: clinical testing. Allele origin: germline.
Comment: This sequence change replaces lysine, which is basic and polar, with glutamic acid, which is acidic and polar, at codon 535 of the IMPDH1 protein (p.Lys535Glu). This variant is present in population databases (rs141572081, gnomAD 0.02%). This missense change has been observed in individuals with cone-rod dystrophy and/or retinitis pigmentosa (PMID: 32795431; internal data). ClinVar contains an entry for this variant (Variation ID: 1471959). An algorithm developed to predict the effect of missense changes on protein structure and function (PolyPhen-2) suggests that this variant is likely to be disruptive. In summary, the available evidence is currently insufficient to determine the role of this variant in disease. Therefore, it has been classified as a Variant of Uncertain Significance.

Literature cited by the submitters: PubMed 32795431.